The following is an entry in ClinVar:

NM_000223.4(KRT12):c.60G>C (p.Arg20=)

Gene: KRT12 (keratin 12; minus strand). Cytogenetic location: 17q21.2.
Variant type: single nucleotide variant.
Coding change: c.60G>C on transcript NM_000223.4 (MANE Select); coding-DNA position 60, G replaced by C.
Protein change: p.Arg20=; no amino-acid change (arginine 20 retained).
Molecular consequence: synonymous variant.
Genome position (GRCh38, 1-based): chr17:40,867,127, C>G on the plus strand (G>C on the coding strand, the complement: KRT12 is on the minus strand). VCF-style: chr17-40867127-C-G. GRCh37 (hg19) VCF-style: chr17-39023379-C-G.
Identifiers: ClinVar variation 2647750 (VCV002647750.24), dbSNP rs761086617, ClinGen allele CA8548969.
Genomic context (GRCh38, chr17:40,867,127, plus strand): 5'-ACTTCCAACACTGGAAGCAGACATGCCCCTGGGTCTGCCTATCACACTCTGCGAGGAGAG[C>G]CGCCGGGACAGTCCGGGGGTGCGCACTGAGAGTGACATGGTGTTGTTGGAGAGATCCATG-3'
Protein context (NP_000214.1, residues 10-30): LSVRTPGLSR[Arg20=]LSSQSVIGRP

ClinVar aggregate classification (germline): Likely benign (1 of 4 stars; one submission).

Allele frequency attached by ClinVar (database versions not stated): gnomAD 0.00001; ExAC 0.00002; TOPMed 0.00002.
gnomAD v4.1: 22 of 1,612,994 alleles (0.0014%); highest among the groups gnomAD compares: Admixed American, 0.0033%; no homozygotes.

Submission:

CeGaT Center for Human Genetics Tuebingen
Classification: Likely benign. Last evaluated: 2022-10-01. Review status: criteria provided, single submitter. Criteria: CeGaT Center For Human Genetics Tuebingen Variant Classification Criteria Version 2. Collection method: clinical testing. Allele origin: germline. Affected: yes. Observed: 1 variant allele.
Comment: KRT12: BP4, BP7